The following is an entry in ClinVar:

NM_012424.6(RPS6KC1):c.3090+3A>G

Gene: RPS6KC1 (ribosomal protein S6 kinase C1; plus strand). Cytogenetic location: 1q32.3.
Variant type: single nucleotide variant.
Coding change: c.3090+3A>G on transcript NM_012424.6 (MANE Select); 3 bases into the intron after coding-DNA position 3090, A replaced by G.
Molecular consequence: intron variant.
Genome position (GRCh38, 1-based): chr1:213,262,819, A>G. VCF-style: chr1-213262819-A-G. GRCh37 (hg19) VCF-style: chr1-213436162-A-G.
Other names: c.2034+3A>G (NM_001349661.2, NM_001349660.2, NM_001349659.2 and 1 more transcripts); c.2547+3A>G (NM_001287221.3, NM_001349651.2, NM_001349650.2 and 4 more transcripts); c.1695+3A>G (NM_001349667.2, NM_001349665.2, NM_001349663.2 and 7 more transcripts); c.1605+3A>G (NM_001349672.2); c.3054+3A>G (NM_001136138.4); c.2199+3A>G (NM_001349657.2, NM_001349658.2); c.2454+3A>G (NM_001349654.2, NM_001287219.3, NM_001287218.3); c.2997+3A>G (NM_001349646.2); and 1 more.
Identifiers: ClinVar variation 2861362 (VCV002861362.3), dbSNP rs1043243762, ClinGen allele CA37281078.

ClinVar aggregate classification (germline): Uncertain significance (1 of 4 stars; one submission).

Allele frequency attached by ClinVar (database versions not stated): gnomAD exomes below 0.00001; TOPMed below 0.00001.
gnomAD v4.1: 3 of 1,560,688 alleles (0.00019%); highest among the groups gnomAD compares: Non-Finnish European, 0.00027%; no homozygotes.

Submission:

Labcorp Genetics (formerly Invitae), Labcorp
Classification: Uncertain significance. Last evaluated: 2023-06-15. Review status: criteria provided, single submitter. Criteria: Invitae Variant Classification Sherloc (09022015). Collection method: clinical testing. Allele origin: germline.
Comment: This sequence change falls in intron 14 of the RPS6KC1 gene. It does not directly change the encoded amino acid sequence of the RPS6KC1 protein. It affects a nucleotide within the consensus splice site. This variant is present in population databases (no rsID available, gnomAD 0.0009%). This variant has not been reported in the literature in individuals affected with RPS6KC1-related conditions. Variants that disrupt the consensus splice site are a relatively common cause of aberrant splicing (PMID: 17576681, 9536098). Algorithms developed to predict the effect of sequence changes on RNA splicing suggest that this variant may disrupt the consensus splice site. In summary, the available evidence is currently insufficient to determine the role of this variant in disease. Therefore, it has been classified as a Variant of Uncertain Significance.

Literature cited by the submitters: PubMed 17576681; PubMed 9536098.